The following is an entry in ClinVar:

ClinVar aggregate classification (germline): Uncertain significance (1 of 4 stars; one submission).

Allele frequency attached by ClinVar (database versions not stated): gnomAD exomes below 0.00001 and 0.00001; TOPMed 0.00001; gnomAD 0.00002.

Submission:

Labcorp Genetics (formerly Invitae), Labcorp
Classification: Uncertain significance. Last evaluated: 2024-12-05. Review status: criteria provided, single submitter. Criteria: Invitae Variant Classification Sherloc (09022015). Collection method: clinical testing. Allele origin: germline.
Comment: This sequence change falls in intron 9 of the LAMB1 gene. It does not directly change the encoded amino acid sequence of the LAMB1 protein. It affects a nucleotide within the consensus splice site. This variant is present in population databases (no rsID available, gnomAD 0.0009%). This variant has not been reported in the literature in individuals affected with LAMB1-related conditions. ClinVar contains an entry for this variant (Variation ID: 1472167). Variants that disrupt the consensus splice site are a relatively common cause of aberrant splicing (PMID: 17576681, 9536098). Algorithms developed to predict the effect of sequence changes on RNA splicing suggest that this variant may disrupt the consensus splice site. In summary, the available evidence is currently insufficient to determine the role of this variant in disease. Therefore, it has been classified as a Variant of Uncertain Significance.

Literature cited by the submitters: PubMed 17576681; PubMed 9536098.

NM_002291.3(LAMB1):c.1000+2dup

Gene: LAMB1 (laminin subunit beta 1; minus strand). Cytogenetic location: 7q31.1.
Variant type: Duplication.
Coding change: c.1000+2dup on transcript NM_002291.3 (MANE Select); the canonical splice donor site of the intron after coding-DNA position 1000, one base duplicated (T; older notation c.1000+2dupT).
Molecular consequence: splice donor variant.
Genome position (GRCh38, 1-based): chr7:107,978,045, A duplicated on the plus strand (T on the coding strand, the reverse complement: LAMB1 is on the minus strand). VCF-style (leftmost placement, unchanged base first): chr7-107978044-T-TA. GRCh37 (hg19) VCF-style: chr7-107618489-T-TA.
Identifiers: ClinVar variation 1472167 (VCV001472167.6), dbSNP rs1427325467, ClinGen allele CA577047487.